The following is an entry in ClinVar:

NM_001130004.2(ACTN1):c.1349G>A (p.Arg450His)

Gene: ACTN1 (actinin alpha 1; minus strand). Cytogenetic location: 14q24.1.
Variant type: single nucleotide variant.
Coding change: c.1349G>A on transcript NM_001130004.2 (MANE Select); coding-DNA position 1349, G replaced by A.
Protein change: p.Arg450His; replaces arginine 450 with histidine.
Molecular consequence: missense variant.
Genome position (GRCh38, 1-based): chr14:68,885,461, C>T on the plus strand (G>A on the coding strand, the complement: ACTN1 is on the minus strand). VCF-style: chr14-68885461-C-T. GRCh37 (hg19) VCF-style: chr14-69352178-C-T.
Other names: c.1349G>A, p.Arg450His (NM_001102.4, NM_001130005.2); short protein forms R450H.
Identifiers: ClinVar variation 666547 (VCV000666547.4), dbSNP rs751173836, ClinGen allele CA390185643.

ClinVar aggregate classification (germline): Conflicting classifications of pathogenicity. Review status: criteria provided, conflicting classifications (1 of 4 stars). 2 submissions from 2 submitters: Likely pathogenic (1); Uncertain significance (1). Last evaluated 2023-10-22.

Conditions:
Platelet-type bleeding disorder 15 (BDPLT15). Also called: MACROTHROMBOCYTOPENIA, AUTOSOMAL DOMINANT, ACTN1-RELATED. Identifiers: Orphanet 140957, MedGen C3554663, MONDO:0014078, OMIM 615193.

gnomAD v4.1: 12 of 1,613,938 alleles (0.00074%); highest among the groups gnomAD compares: Non-Finnish European, 0.001%; no homozygotes.

Submissions (2):

Labcorp Genetics (formerly Invitae), Labcorp
Classification: Uncertain significance. Last evaluated: 2023-10-22. Review status: criteria provided, single submitter. Criteria: Invitae Variant Classification Sherloc (09022015). Collection method: clinical testing. Allele origin: germline.
Comment: This sequence change replaces arginine, which is basic and polar, with histidine, which is basic and polar, at codon 450 of the ACTN1 protein (p.Arg450His). This variant is not present in population databases (gnomAD no frequency). This missense change has been observed in individual(s) with thrombocytopenia (PMID: 31237726). ClinVar contains an entry for this variant (Variation ID: 666547). Advanced modeling performed at Invitae incorporating data from internal and/or published experimental studies (Not available) indicates that this missense variant is expected to disrupt ACTN1 function with a positive predictive value of 80%. In summary, the available evidence is currently insufficient to determine the role of this variant in disease. Therefore, it has been classified as a Variant of Uncertain Significance.

Hematology laboratory, Robert Debré Hospital
Classification: Likely pathogenic for Platelet-type bleeding disorder 15. Review status: criteria provided, single submitter. Criteria: ACMG Guidelines, 2015. Collection method: clinical testing. Allele origin: germline. Affected: yes. Observed: 2 variant alleles.

Literature cited by the submitters: PubMed 31237726 (cited by Labcorp Genetics (formerly Invitae), Labcorp and Hematology laboratory, Robert Debré Hospital).